The following is an entry in ClinVar:

ClinVar aggregate classification (germline): Benign/Likely benign. Review status: criteria provided, multiple submitters, no conflicts (2 of 4 stars). 2 submissions from 2 submitters: Benign (1); Likely benign (1). Last evaluated 2026-02-01.

Allele frequency attached by ClinVar (database versions not stated): 1000 Genomes Project 30x 0.00359; 1000 Genomes Project 0.00379; ESP Exome Variant Server 0.00569; TOPMed 0.00663; gnomAD 0.00807 and 0.00856.

Submissions (2):

CeGaT Center for Human Genetics Tuebingen
Classification: Likely benign. Last evaluated: 2026-02-01. Review status: criteria provided, single submitter. Criteria: CeGaT Center For Human Genetics Tuebingen Variant Classification Criteria Version 2. Collection method: clinical testing. Allele origin: germline. Affected: yes. Observed: 4 variant alleles.
Comment: DHX38: BP4, BS2

Labcorp Genetics (formerly Invitae), Labcorp
Classification: Benign. Last evaluated: 2026-01-26. Review status: criteria provided, single submitter. Criteria: Invitae Variant Classification Sherloc (09022015). Collection method: clinical testing. Allele origin: germline.

NM_014003.4(DHX38):c.1116+3G>A

Gene: DHX38 (DEAH-box helicase 38; plus strand). Cytogenetic location: 16q22.2.
Variant type: single nucleotide variant.
Coding change: c.1116+3G>A on transcript NM_014003.4 (MANE Select); 3 bases into the intron after coding-DNA position 1116, G replaced by A.
Molecular consequence: intron variant.
Genome position (GRCh38, 1-based): chr16:72,099,890, G>A. VCF-style: chr16-72099890-G-A. GRCh37 (hg19) VCF-style: chr16-72133789-G-A.
Identifiers: ClinVar variation 1168084 (VCV001168084.33), dbSNP rs17287146, ClinGen allele CA8160206.